The following is an entry in ClinVar:

NM_001365276.2(TNXB):c.10624C>T (p.Pro3542Ser)

Genes: TNXB (tenascin XB; minus strand), LOC106780803 (tenascin XB recombination region; plus strand). Cytogenetic location: 6p21.33.
Variant type: single nucleotide variant.
Coding change: c.10624C>T on transcript NM_001365276.2 (MANE Select); coding-DNA position 10624, C replaced by T.
Protein change: p.Pro3542Ser; replaces proline 3542 with serine.
Molecular consequence: missense variant. On other transcripts: 5 prime UTR variant (1).
Genome position (GRCh38, 1-based): chr6:32,045,309, G>A on the plus strand (C>T on the coding strand, the complement: TNXB is on the minus strand). VCF-style: chr6-32045309-G-A. GRCh37 (hg19) VCF-style: chr6-32013086-G-A.
Other names: p.Pro3540Ser; c.11365C>T, p.Pro3789Ser (NM_001428335.1); c.10618C>T, p.Pro3540Ser (NM_019105.8); c.-90C>T (NM_032470.4); short protein forms P3540S, P3542S, P3789S.
Identifiers: ClinVar variation 3379664 (VCV003379664.1).
Genomic context (GRCh38, chr6:32,045,309, plus strand): 5'-GCACTCCTAGGCGGGGCTCTTCAGGAGGCTCAGGGGCCTCTGGGGCTAACTCTGGGGCTG[G>A]TGTGTCCTCTTCTGGGGCTGCGTGGGAGAAGCCCAGGGGAGAATCTGAGTGAGGGGCGCC-3'
Protein context (NP_001352205.1, residues 3532-3552): LGMTAPEEDT[Pro3542Ser]APELAPEAPE

ClinVar aggregate classification (germline): Uncertain significance (1 of 4 stars; one submission).

Submission:

Mayo Clinic Laboratories, Mayo Clinic
Classification: Uncertain significance. Last evaluated: 2024-08-28. Review status: criteria provided, single submitter. Criteria: ACMG Guidelines, 2015. Collection method: clinical testing. Allele origin: germline. Observed: 1 variant allele.
Comment: BP4, PM2